The following is an entry in ClinVar:

NM_000540.3(RYR1):c.958-14C>G

Gene: RYR1 (ryanodine receptor 1; plus strand). Cytogenetic location: 19q13.2.
Variant type: single nucleotide variant.
Coding change: c.958-14C>G on transcript NM_000540.3 (MANE Select); 14 bases into the intron before coding-DNA position 958, C replaced by G.
Molecular consequence: intron variant.
Genome position (GRCh38, 1-based): chr19:38,448,635, C>G. VCF-style: chr19-38448635-C-G. GRCh37 (hg19) VCF-style: chr19-38939275-C-G.
Other names: c.958-14C>G (NM_001042723.2).
Identifiers: ClinVar variation 2185335 (VCV002185335.6), dbSNP rs759562023, ClinGen allele CA073850.

ClinVar aggregate classification (germline): Likely benign. Review status: criteria provided, multiple submitters, no conflicts (2 of 4 stars). 2 submissions from 2 submitters: Likely benign (2). Last evaluated 2024-05-24.

Conditions:
RYR1-related disorder. Also called: RYR1-related disorders; RYR1-related condition. Identifiers: MedGen CN239331.
Malignant hyperthermia, susceptibility to, 1 (MHS1). Also called: RYR1-Related Malignant Hyperthermia Susceptibility; Malignant hyperthermia suceptibility 1; Anesthesia related hyperthermia; Malignant hyperpyrexia; Fulminating hyperpyrexia; Pharmacogenic myopathy. Identifiers: Orphanet 423, MedGen C2930980, MONDO:0007783, OMIM 145600.

Allele frequency attached by ClinVar (database versions not stated): ExAC 0.00002; TOPMed 0.00004; gnomAD 0.00007.
gnomAD v4.1: 17 of 1,614,050 alleles (0.0011%); highest among the groups gnomAD compares: African/African-American, 0.02%; no homozygotes.

Submissions (2):

All of Us Research Program, National Institutes of Health
Classification: Likely benign for Malignant hyperthermia, susceptibility to, 1. Last evaluated: 2024-05-24. Review status: criteria provided, single submitter. Criteria: ACMG Guidelines, 2015. Collection method: clinical testing. Allele origin: germline. Inheritance: Autosomal dominant inheritance. Observed: 6 variant alleles, 6 heterozygotes.
Comment: This study involves interpretation of variants in research participants for the purpose of population health screening. Participant phenotype was not available at the time of variant classification. Additional details can be found in publication PMID: 35346344, PMCID: PMC8962531

Labcorp Genetics (formerly Invitae), Labcorp
Classification: Likely benign for RYR1-related disorder. Last evaluated: 2023-12-09. Review status: criteria provided, single submitter. Criteria: Invitae Variant Classification Sherloc (09022015). Collection method: clinical testing. Allele origin: germline.